The following is an entry in ClinVar:

ClinVar aggregate classification (germline): Conflicting classifications of pathogenicity. Review status: criteria provided, conflicting classifications (1 of 4 stars). 3 submissions from 3 submitters: Uncertain significance (2); Likely benign (1). Last evaluated 2025-07-24.

Conditions:
Hereditary cancer-predisposing syndrome. Also called: Hereditary neoplastic syndrome; Tumor predisposition; Hereditary Cancer Syndrome; Neoplastic Syndromes, Hereditary. Identifiers: Orphanet 140162, MedGen C0027672, MeSH D009386, MONDO:0015356.
Fanconi anemia complementation group O. Also called: RAD51C-Related Fanconi Anemia. Identifiers: Orphanet 84, MedGen C3150653, MONDO:0013248, OMIM 613390.

Allele frequency attached by ClinVar (database versions not stated): ExAC 0.00001.
gnomAD v4.1: 1 of 1,614,194 alleles (0.000062%); highest among the groups gnomAD compares: Non-Finnish European, 0.000085%; no homozygotes.

Submissions (3):

Labcorp Genetics (formerly Invitae), Labcorp
Classification: Uncertain significance for Fanconi anemia complementation group O. Last evaluated: 2025-07-24. Review status: criteria provided, single submitter. Criteria: Invitae Variant Classification Sherloc (09022015). Collection method: clinical testing. Allele origin: germline.
Comment: This sequence change replaces arginine, which is basic and polar, with glycine, which is neutral and non-polar, at codon 7 of the RAD51C protein (p.Arg7Gly). This variant is present in population databases (rs759759863, gnomAD 0.0009%). This variant has not been reported in the literature in individuals affected with RAD51C-related conditions. ClinVar contains an entry for this variant (Variation ID: 578406). An algorithm developed to predict the effect of missense changes on protein structure and function outputs the following: PolyPhen-2: "Benign". The glycine amino acid residue is found in multiple mammalian species, which suggests that this missense change does not adversely affect protein function. Experimental studies have shown that this missense change does not substantially affect RAD51C function (PMID: 37253112). In summary, the available evidence is currently insufficient to determine the role of this variant in disease. Therefore, it has been classified as a Variant of Uncertain Significance.

Women's Health and Genetics/Laboratory Corporation of America, LabCorp
Classification: Uncertain significance. Last evaluated: 2024-05-06. Review status: criteria provided, single submitter. Criteria: LabCorp Variant Classification Summary - May 2015. Collection method: clinical testing. Allele origin: germline.
Comment: Variant summary: RAD51C c.19C>G (p.Arg7Gly) results in a non-conservative amino acid change in the encoded protein sequence. Four of five in-silico tools predict a benign effect of the variant on protein function. The variant allele was found at a frequency of 4e-06 in 251408 control chromosomes. The available data on variant occurrences in the general population are insufficient to allow any conclusion about variant significance. c.19C>G has been reported in the literature in at least one individuals affected with cancer (e.g., Bhai_2021). However, these report(s) do not provide unequivocal conclusions about association of the variant with Hereditary Breast And Ovarian Cancer Syndrome. At least one publication reports experimental evidence evaluating an impact on protein function; studies evaluating the affect of the variant on RAD51C HR DNA repair activity showed no damaging effect. The following publications have been ascertained in the context of this evaluation (PMID: 34326862, 37253112). ClinVar contains an entry for this variant (Variation ID: 578406). Based on the evidence outlined above, the variant was classified as uncertain significance.

Ambry Genetics
Classification: Likely benign for Hereditary cancer-predisposing syndrome. Last evaluated: 2020-11-18. Review status: criteria provided, single submitter. Criteria: Ambry Variant Classification Scheme 2023. Collection method: clinical testing. Allele origin: germline.

Literature cited by the submitters: PubMed 37253112 (cited by Labcorp Genetics (formerly Invitae), Labcorp and Women's Health and Genetics/Laboratory Corporation of America, LabCorp); PubMed 34326862 (cited by Women's Health and Genetics/Laboratory Corporation of America, LabCorp).

NM_058216.3(RAD51C):c.19C>G (p.Arg7Gly)

Gene: RAD51C (RAD51 paralog C; plus strand). Cytogenetic location: 17q22.
Variant type: single nucleotide variant.
Coding change: c.19C>G on transcript NM_058216.3 (MANE Select); coding-DNA position 19, C replaced by G.
Protein change: p.Arg7Gly; replaces arginine 7 with glycine.
Molecular consequence: missense variant. On other transcripts: non-coding transcript variant (2).
Genome position (GRCh38, 1-based): chr17:58,692,662, C>G. VCF-style: chr17-58692662-C-G. GRCh37 (hg19) VCF-style: chr17-56770023-C-G.
Other names: c.19C>G, p.Arg7Gly (NM_002876.4); short protein forms R7G.
Identifiers: ClinVar variation 578406 (VCV000578406.11), dbSNP rs759759863, ClinGen allele CA8677124.